The following is an entry in ClinVar:

ClinVar aggregate classification (germline): Conflicting classifications of pathogenicity. Review status: criteria provided, conflicting classifications (1 of 4 stars). 2 submissions from 1 submitter: Pathogenic (1); Uncertain significance (1). Last evaluated 2023-01-18.

Conditions:
D-2-hydroxyglutaric aciduria 2 (D2HGA2). Identifiers: Orphanet 79315, MedGen C3150909, MONDO:0013345, OMIM 613657.
Bloom syndrome (BLM). Also called: Bloom-Torre-Machacek syndrome. Identifiers: Orphanet 125, MedGen C0005859, MONDO:0008876, OMIM 210900.

Submissions (2):

Labcorp Genetics (formerly Invitae), Labcorp
Classification: Pathogenic for Bloom syndrome. Last evaluated: 2023-01-18. Review status: criteria provided, single submitter. Criteria: Invitae Variant Classification Sherloc (09022015). Collection method: clinical testing. Allele origin: unknown.
Comment: For these reasons, this variant has been classified as Pathogenic. This variant has not been reported in the literature in individuals affected with BLM-related conditions. This variant is a gross deletion of the genomic region encompassing exon(s) 1-12 of the BLM gene, which includes the initiator codon. This deletion extends beyond the assayed region for this gene and therefore may encompass additional genes. It is expected to result in an absent or disrupted protein product. Loss-of-function variants in BLM are known to be pathogenic (PMID: 17407155).

Labcorp Genetics (formerly Invitae), Labcorp
Classification: Uncertain significance for D-2-hydroxyglutaric aciduria 2. Last evaluated: 2023-01-18. Review status: criteria provided, single submitter. Criteria: Invitae Variant Classification Sherloc (09022015). Collection method: clinical testing. Allele origin: unknown.
Comment: In summary, the available evidence is currently insufficient to determine the role of this variant in disease. Therefore, it has been classified as a Variant of Uncertain Significance. Experimental studies and prediction algorithms are not available or were not evaluated, and the functional significance of this variant is currently unknown. This variant has not been reported in the literature in individuals affected with IDH2-related conditions. A gross deletion of the genomic region encompassing the full coding sequence of the IDH2 gene has been identified. The current clinical and genetic evidence is not sufficient to establish whether loss-of-function variants in IDH2 cause disease. The boundaries of this event are unknown as they extend beyond the assayed region for this gene and therefore may encompass additional genes.

Literature cited by the submitters: PubMed 17407155.

NC_000015.9:g.(?_89379429)_(91312836_?)del

Genes: ZNF774 (zinc finger protein 774; plus strand), HAPLN3 (hyaluronan and proteoglycan link protein 3; minus strand), CRTC3 (CREB regulated transcription coactivator 3; plus strand), MFGE8 (milk fat globule EGF and factor V/VIII domain containing; minus strand), TICRR (TOPBP1 interacting checkpoint and replication regulator; plus strand) and 26 more. Cytogenetic location: 15q26.1.
Variant type: Deletion.
Identifiers: ClinVar variation 3243685 (VCV003243685.1).